The following is an entry in ClinVar:

ClinVar aggregate classification (germline): Pathogenic (1 of 4 stars; one submission).

Conditions:
Ehlers-Danlos syndrome, dermatosparaxis type. Also called: EDS VIIC; Dermatosparaxis; Ehlers-Danlos syndrome, type VII, autosomal recessive. Identifiers: Orphanet 1901, MedGen C2700425, MONDO:0009161, OMIM 225410.

Submission:

Myriad Genetics, Inc.
Classification: Pathogenic for Ehlers-Danlos syndrome, dermatosparaxis type. Last evaluated: 2024-05-14. Review status: criteria provided, single submitter. Criteria: Myriad Autosomal Dominant, Autosomal Recessive and X-Linked Classification Criteria (2023). Collection method: clinical testing. Allele origin: unknown.
Comment: NM_014244.4(ADAMTS2):c.67_68insAG(L23Qfs*143) is expected to be pathogenic in the context of Ehlers-Danlos syndrome, ADAMTS2-related. This variant is predicted to lead to an abnormal or absent protein product due to the creation of a premature termination codon in ADAMTS2, a gene where loss-of-function variants are known to be pathogenic. Please note: this variant was assessed in the context of healthy population screening.

NM_014244.5(ADAMTS2):c.67_68insAG (p.Leu23fs)

Gene: ADAMTS2 (ADAM metallopeptidase with thrombospondin type 1 motif 2; minus strand). Cytogenetic location: 5q35.3.
Variant type: Insertion.
Coding change: c.67_68insAG on transcript NM_014244.5 (MANE Select); coding-DNA positions 67 to 68, AG inserted.
Protein change: p.Leu23fs; shifts the reading frame from leucine 23.
Molecular consequence: frameshift variant.
Genome position: GRCh38 VCF-style: chr5-179345261-A-ACT. GRCh37 (hg19) VCF-style: chr5-178772262-A-ACT.
Other names: c.67_68insAG, p.Leu23fs (NM_021599.4); short protein forms L23fs.
Identifiers: ClinVar variation 5010378 (VCV005010378.1).